The following is an entry in ClinVar:

ClinVar aggregate classification (germline): Uncertain significance. Review status: criteria provided, single submitter (1 of 4 stars). 2 submissions from 2 submitters: Uncertain significance (1). 1 of the submissions does not count toward it. Last evaluated 2024-10-17.

Conditions:
Autism spectrum disorder - epilepsy - arthrogryposis syndrome (AMRS). Identifiers: Orphanet 370943, MedGen C3809910, MONDO:0014248, OMIM 615553.

gnomAD v4.1: 10 of 1,613,150 alleles (0.00062%); highest among the groups gnomAD compares: Non-Finnish European, 0.00085%; no homozygotes.

Submissions (2):

Labcorp Genetics (formerly Invitae), Labcorp
Classification: Uncertain significance for Autism spectrum disorder - epilepsy - arthrogryposis syndrome. Last evaluated: 2024-10-17. Review status: criteria provided, single submitter. Criteria: Invitae Variant Classification Sherloc (09022015). Collection method: clinical testing. Allele origin: germline.
Comment: This sequence change replaces glutamine, which is neutral and polar, with leucine, which is neutral and non-polar, at codon 238 of the SLC35A3 protein (p.Gln238Leu). This variant is present in population databases (rs749957287, gnomAD 0.004%). This variant has not been reported in the literature in individuals affected with SLC35A3-related conditions. Invitae Evidence Modeling of protein sequence and biophysical properties (such as structural, functional, and spatial information, amino acid conservation, physicochemical variation, residue mobility, and thermodynamic stability) indicates that this missense variant is expected to disrupt SLC35A3 protein function with a positive predictive value of 80%. In summary, the available evidence is currently insufficient to determine the role of this variant in disease. Therefore, it has been classified as a Variant of Uncertain Significance.

Natera, Inc.
Classification: Uncertain significance for Arthrogryposis, mental retardation, and seizures. Last evaluated: 2025-05-12. Review status: no assertion criteria provided. Collection method: clinical testing. Allele origin: germline. Not counted in ClinVar's aggregate classification.

NM_012243.3(SLC35A3):c.713A>T (p.Gln238Leu)

Gene: SLC35A3 (solute carrier family 35 member A3; plus strand). Cytogenetic location: 1p21.2.
Variant type: single nucleotide variant.
Coding change: c.713A>T on transcript NM_012243.3 (MANE Select); coding-DNA position 713, A replaced by T.
Protein change: p.Gln238Leu; replaces glutamine 238 with leucine.
Molecular consequence: missense variant. On other transcripts: intron variant (1).
Genome position (GRCh38, 1-based): chr1:100,015,380, A>T. VCF-style: chr1-100015380-A-T. GRCh37 (hg19) VCF-style: chr1-100480936-A-T.
Other names: c.839A>T, p.Gln280Leu (NM_001271685.2); c.634+3847A>T (NM_001271684.2); c.713A>T (NM_012243.2); short protein forms Q238L, Q280L.
Identifiers: ClinVar variation 3706304 (VCV003706304.3).